The following is an entry in ClinVar:

ClinVar aggregate classification (germline): Uncertain significance (1 of 4 stars; one submission).

Allele frequency attached by ClinVar (database versions not stated): gnomAD exomes below 0.00001.
gnomAD v4.1: 2 of 1,613,536 alleles (0.00012%); highest among the groups gnomAD compares: Non-Finnish European, 0.00017%; no homozygotes.

Submission:

Labcorp Genetics (formerly Invitae), Labcorp
Classification: Uncertain significance. Last evaluated: 2023-11-27. Review status: criteria provided, single submitter. Criteria: Invitae Variant Classification Sherloc (09022015). Collection method: clinical testing. Allele origin: germline.
Comment: This sequence change replaces valine, which is neutral and non-polar, with phenylalanine, which is neutral and non-polar, at codon 1990 of the ADGRV1 protein (p.Val1990Phe). This variant is not present in population databases (gnomAD no frequency). This variant has not been reported in the literature in individuals affected with ADGRV1-related conditions. ClinVar contains an entry for this variant (Variation ID: 1042010). Advanced modeling of protein sequence and biophysical properties (such as structural, functional, and spatial information, amino acid conservation, physicochemical variation, residue mobility, and thermodynamic stability) performed at Invitae indicates that this missense variant is not expected to disrupt ADGRV1 protein function with a negative predictive value of 80%. In summary, the available evidence is currently insufficient to determine the role of this variant in disease. Therefore, it has been classified as a Variant of Uncertain Significance.

NM_032119.4(ADGRV1):c.5968G>T (p.Val1990Phe)

Gene: ADGRV1 (adhesion G protein-coupled receptor V1; plus strand). Cytogenetic location: 5q14.3.
Variant type: single nucleotide variant.
Coding change: c.5968G>T on transcript NM_032119.4 (MANE Select); coding-DNA position 5968, G replaced by T.
Protein change: p.Val1990Phe; replaces valine 1990 with phenylalanine.
Molecular consequence: missense variant. On other transcripts: non-coding transcript variant (1).
Genome position (GRCh38, 1-based): chr5:90,683,889, G>T. VCF-style: chr5-90683889-G-T. GRCh37 (hg19) VCF-style: chr5-89979706-G-T.
Other names: short protein forms V1990F.
Identifiers: ClinVar variation 1042010 (VCV001042010.9), dbSNP rs1745265183, ClinGen allele CA360413845.